The following is an entry in ClinVar:

NM_000179.3(MSH6):c.1564_1565del (p.Gln522fs)

Gene: MSH6 (mutS homolog 6; plus strand). Cytogenetic location: 2p16.3.
Variant type: Microsatellite.
Coding change: c.1564_1565del on transcript NM_000179.3 (MANE Select); coding-DNA positions 1564 to 1565, 2 bases deleted (CA; older notation c.1564_1565delCA).
Protein change: p.Gln522fs; shifts the reading frame from glutamine 522.
Molecular consequence: frameshift variant. On other transcripts: non-coding transcript variant (4), intron variant (1).
Genome position (GRCh38, 1-based): chr2:47,799,547-47,799,548, CA deleted; deleting any 2 consecutive bases within chr2:47,799,544-47,799,548 gives the same sequence; the c. name uses the placement nearest the transcript's 3' end. VCF-style (leftmost placement, unchanged base first): chr2-47799543-TAC-T. GRCh37 (hg19) VCF-style: chr2-48026682-TAC-T.
Other names: c.1174_1175del, p.Gln392fs (NM_001281492.2); c.658_659del, p.Gln220fs (NM_001281493.2, NM_001281494.2, NM_001406811.1 and 6 more transcripts); c.1660_1661del, p.Gln554fs (NM_001406795.1, NM_001406802.1); c.1564_1565del, p.Gln522fs (NM_001406796.1, NM_001406798.1, NM_001406800.1 and 4 more transcripts); c.1267_1268del, p.Gln423fs (NM_001406797.1, NM_001406801.1, NM_001406805.1 and 10 more transcripts); c.1039_1040del, p.Gln347fs (NM_001406799.1, NM_001406806.1, NM_001406807.1); c.1486_1487del, p.Gln496fs (NM_001406804.1); c.1570_1571del, p.Gln524fs (NM_001406813.1); and 2 more; short protein forms Q220fs, Q347fs, Q392fs, Q423fs, Q466fs, Q496fs, Q522fs, Q524fs.
Identifiers: ClinVar variation 2673717 (VCV002673717.1), dbSNP rs2530616424, ClinGen allele CA2695200594.

ClinVar aggregate classification (germline): Pathogenic (1 of 4 stars; one submission).

Conditions:
Lynch syndrome 5 (LYNCH5). Also called: Colorectal cancer, hereditary nonpolyposis, type 5; Hereditary non-polyposis colorectal cancer, type 5. Identifiers: Orphanet 144, MedGen C1833477, MONDO:0013710, OMIM 614350. Disease mechanism: loss of function.

Submission:

Myriad Genetics, Inc.
Classification: Pathogenic for Lynch syndrome 5. Last evaluated: 2023-08-14. Review status: criteria provided, single submitter. Criteria: Myriad Autosomal Dominant, Autosomal Recessive and X-Linked Classification Criteria (2023). Collection method: clinical testing. Allele origin: unknown.
Comment: This variant is considered pathogenic. This variant creates a frameshift predicted to result in premature protein truncation.